The following is an entry in ClinVar:

NM_002317.7(LOX):c.364C>T (p.Arg122Cys)

Genes: LOX (lysyl oxidase; minus strand), SRFBP1 (serum response factor binding protein 1; plus strand). Cytogenetic location: 5q23.1.
Variant type: single nucleotide variant.
Coding change: c.364C>T on transcript NM_002317.7 (MANE Select); coding-DNA position 364, C replaced by T.
Protein change: p.Arg122Cys; replaces arginine 122 with cysteine.
Molecular consequence: missense variant.
Genome position (GRCh38, 1-based): chr5:122,077,622, G>A on the plus strand (C>T on the coding strand, the complement: LOX is on the minus strand). VCF-style: chr5-122077622-G-A. GRCh37 (hg19) VCF-style: chr5-121413317-G-A.
Other names: c.364C>T (NM_002317.5); short protein forms R122C.
Identifiers: ClinVar variation 1215073 (VCV001215073.10), dbSNP rs566461481, ClinGen allele CA3384053.

ClinVar aggregate classification (germline): Uncertain significance. Review status: criteria provided, multiple submitters, no conflicts (2 of 4 stars). 6 submissions from 6 submitters: Uncertain significance (6). Last evaluated 2025-04-11.

Conditions:
Aortic aneurysm, familial thoracic 10 (AAT10). Identifiers: MedGen C4284414, MONDO:0014950, OMIM 617168.
Cardiovascular phenotype. Identifiers: MedGen CN230736.

Allele frequency attached by ClinVar (database versions not stated): ExAC 0.00001; gnomAD 0.00001 and 0.00002; TOPMed 0.00001; 1000 Genomes Project 0.00020; 1000 Genomes Project 30x 0.00031.
gnomAD v4.1: 9 of 1,611,692 alleles (0.00056%); highest among the groups gnomAD compares: African/African-American, 0.0013%; no homozygotes.

Submissions (6):

Labcorp Genetics (formerly Invitae), Labcorp
Classification: Uncertain significance. Last evaluated: 2025-04-11. Review status: criteria provided, single submitter. Criteria: Invitae Variant Classification Sherloc (09022015). Collection method: clinical testing. Allele origin: germline.
Comment: This sequence change replaces arginine, which is basic and polar, with cysteine, which is neutral and slightly polar, at codon 122 of the LOX protein (p.Arg122Cys). This variant is present in population databases (rs566461481, gnomAD 0.004%). This variant has not been reported in the literature in individuals affected with LOX-related conditions. ClinVar contains an entry for this variant (Variation ID: 1215073). Invitae Evidence Modeling of protein sequence and biophysical properties (such as structural, functional, and spatial information, amino acid conservation, physicochemical variation, residue mobility, and thermodynamic stability) has been performed for this missense variant. However, the output from this modeling did not meet the statistical confidence thresholds required to predict the impact of this variant on LOX protein function. In summary, the available evidence is currently insufficient to determine the role of this variant in disease. Therefore, it has been classified as a Variant of Uncertain Significance.

Molecular Diagnostic Laboratory for Inherited Cardiovascular Disease, Montreal Heart Institute
Classification: Uncertain significance for Cardiovascular phenotype. Last evaluated: 2025-04-09. Review status: criteria provided, single submitter. Criteria: ACMG Guidelines, 2015. Collection method: clinical testing. Allele origin: germline. Affected: yes.
Comment: BP4

Ambry Genetics
Classification: Uncertain significance for Cardiovascular phenotype. Last evaluated: 2024-09-20. Review status: criteria provided, single submitter. Criteria: Ambry Variant Classification Scheme 2023. Collection method: clinical testing. Allele origin: germline.
Comment: The p.R122C variant (also known as c.364C>T), located in coding exon 1 of the LOX gene, results from a C to T substitution at nucleotide position 364. The arginine at codon 122 is replaced by cysteine, an amino acid with highly dissimilar properties. This amino acid position is conserved. In addition, this alteration is predicted to be tolerated by in silico analysis. Based on the available evidence, the clinical significance of this variant remains unclear.

Blueprint Genetics
Classification: Uncertain significance. Last evaluated: 2024-08-28. Review status: criteria provided, single submitter. Criteria: ACMG Guidelines, 2015. Collection method: clinical testing. Allele origin: germline.

ARUP Laboratories, Molecular Genetics and Genomics, ARUP Laboratories
Classification: Uncertain significance for Aortic aneurysm, familial thoracic 10. Last evaluated: 2022-06-22. Review status: criteria provided, single submitter. Criteria: ARUP Molecular Germline Variant Investigation Process 2021. Collection method: clinical testing. Allele origin: germline.
Comment: The LOX c.364C>T; p.Arg122Cys variant (rs566461481), to our knowledge, is not reported in the medical literature but is reported in ClinVar (Variation ID: 1215073). This variant is found in the general population with an overall allele frequency of 0.001% (3/267786 alleles) in the Genome Aggregation Database. The arginine at codon 122 is moderately conserved, but computational analyses predict that this variant is tolerated (REVEL: 0.108). Due to limited information, the clinical significance of this variant is uncertain at this time.

GeneDx
Classification: Uncertain significance. Last evaluated: 2019-08-02. Review status: criteria provided, single submitter. Criteria: GeneDx Variant Classification Process June 2021. Collection method: clinical testing. Allele origin: germline. Affected: yes.
Comment: Has not been previously published as pathogenic or benign to our knowledge; Not observed at a significant frequency in large population cohorts (Lek et al., 2016); In silico analysis, which includes protein predictors and evolutionary conservation, supports a deleterious effect